The following is an entry in ClinVar:

NM_001104631.2(PDE4D):c.618G>C (p.Met206Ile)

Gene: PDE4D (phosphodiesterase 4D; minus strand). Cytogenetic location: 5q11.2.
Variant type: single nucleotide variant.
Coding change: c.618G>C on transcript NM_001104631.2 (MANE Select); coding-DNA position 618, G replaced by C.
Protein change: p.Met206Ile; replaces methionine 206 with isoleucine.
Molecular consequence: missense variant. On other transcripts: 5 prime UTR variant (3).
Genome position (GRCh38, 1-based): chr5:59,215,806, C>G on the plus strand (G>C on the coding strand, the complement: PDE4D is on the minus strand). VCF-style: chr5-59215806-C-G. GRCh37 (hg19) VCF-style: chr5-58511632-C-G.
Other names: c.435G>C, p.Met145Ile (NM_001165899.2, NM_001364599.1, NM_001364600.2); c.426G>C, p.Met142Ile (NM_001197218.2, NM_001364601.1, NM_001364602.2); c.252G>C, p.Met84Ile (NM_001197219.2); c.228G>C, p.Met76Ile (NM_001197220.2); c.405G>C, p.Met135Ile (NM_001349241.2); c.288G>C, p.Met96Ile (NM_001349242.2); c.-77G>C (NM_001349243.2, NM_001364604.1); c.-333G>C (NM_001364603.1); and 1 more; short protein forms M135I, M142I, M145I, M206I, M70I, M76I, M84I, M96I.
Identifiers: ClinVar variation 2446279 (VCV002446279.1), dbSNP rs2531350769, ClinGen allele CA359930752.

ClinVar aggregate classification (germline): Uncertain significance (1 of 4 stars; one submission).

Submission:

GeneDx
Classification: Uncertain significance. Last evaluated: 2022-09-23. Review status: criteria provided, single submitter. Criteria: GeneDx Variant Classification Process June 2021. Collection method: clinical testing. Allele origin: germline. Affected: yes.
Comment: Not observed at significant frequency in large population cohorts (gnomAD); In silico analysis supports that this missense variant has a deleterious effect on protein structure/function; Has not been previously published as pathogenic or benign to our knowledge